The following is an entry in ClinVar:

NM_001278116.2(L1CAM):c.3046+1G>C

Gene: L1CAM (L1 cell adhesion molecule; minus strand). Cytogenetic location: Xq28.
Variant type: single nucleotide variant.
Coding change: c.3046+1G>C on transcript NM_001278116.2 (MANE Select); the canonical splice donor site of the intron after coding-DNA position 3046, G replaced by C.
Molecular consequence: splice donor variant.
Genome position (GRCh38, 1-based): chrX:153,864,820, C>G on the plus strand (G>C on the coding strand, the complement: L1CAM is on the minus strand). VCF-style: chrX-153864820-C-G. GRCh37 (hg19) VCF-style: chrX-153130275-C-G.
Other names: c.3031+1G>C (NM_001143963.2); c.3046+1G>C (NM_024003.3, NM_000425.5).
Identifiers: ClinVar variation 527976 (VCV000527976.9), dbSNP rs1557090220, ClinGen allele CA415113614.
Genomic context (GRCh38, chrX:153,864,820, plus strand): 5'-CCTCCCTCCTGGACCCGGCTGGCCGGGGCCTCCCTGTTGGCAGGTCATTCCTCCAGCTTA[C>G]CAGACAAGGCCATAGTGCCTCCTTCCCGTACGATGGCTTCACCAGGGCCCTCTTTGGTGG-3'

ClinVar aggregate classification (germline): Likely pathogenic (1 of 4 stars; one submission).

Conditions:
Spastic paraplegia. Identifiers: MedGen C0037772, HP:0001258.

Submission:

Labcorp Genetics (formerly Invitae), Labcorp
Classification: Likely pathogenic for Spastic paraplegia. Last evaluated: 2019-05-02. Review status: criteria provided, single submitter. Criteria: Invitae Variant Classification Sherloc (09022015). Collection method: clinical testing. Allele origin: germline.
Comment: This sequence change affects a donor splice site in intron 22 of the L1CAM gene. It is expected to disrupt RNA splicing and likely results in an absent or disrupted protein product. This variant is not present in population databases (ExAC no frequency). This variant has not been reported in the literature in individuals with L1CAM-related disease. Algorithms developed to predict the effect of sequence changes on RNA splicing suggest that this variant may disrupt the consensus splice site, but this prediction has not been confirmed by published transcriptional studies. Donor and acceptor splice site variants typically lead to a loss of protein function (PMID: 16199547), and loss-of-function variants in L1CAM are known to be pathogenic (PMID: 19846429). In summary, the currently available evidence indicates that the variant is pathogenic, but additional data are needed to prove that conclusively. Therefore, this variant has been classified as Likely Pathogenic.

Literature cited by the submitters: PubMed 16199547; PubMed 19846429.